The following is an entry in ClinVar:

NM_001680.5(FXYD2):c.187G>A (p.Glu63Lys)

Genes: FXYD6-FXYD2 (FXYD6-FXYD2 readthrough; minus strand), FXYD2 (FXYD domain containing ion transport regulator 2; minus strand). Cytogenetic location: 11q23.3.
Variant type: single nucleotide variant.
Coding change: c.187G>A on transcript NM_001680.5 (MANE Select); coding-DNA position 187, G replaced by A.
Protein change: p.Glu63Lys; replaces glutamic acid 63 with lysine.
Molecular consequence: missense variant. On other transcripts: 3 prime UTR variant (1).
Genome position (GRCh38, 1-based): chr11:117,820,686, C>T on the plus strand (G>A on the coding strand, the complement: FXYD2 is on the minus strand). VCF-style: chr11-117820686-C-T. GRCh37 (hg19) VCF-style: chr11-117691401-C-T.
Other names: c.421G>A, p.Glu141Lys (NM_001204268.3); c.*20G>A (NM_001243598.4); c.181G>A, p.Glu61Lys (NM_021603.4); short protein forms E61K, E141K, E63K.
Identifiers: ClinVar variation 3000085 (VCV003000085.3), dbSNP rs760465825, ClinGen allele CA6297754.

ClinVar aggregate classification (germline): Uncertain significance (1 of 4 stars; one submission).

Allele frequency attached by ClinVar (database versions not stated): gnomAD exomes below 0.00001; TOPMed below 0.00001; ExAC 0.00001; gnomAD 0.00001.
gnomAD v4.1: 4 of 1,613,918 alleles (0.00025%); highest among the groups gnomAD compares: Non-Finnish European, 0.00025%; no homozygotes.

Submission:

Labcorp Genetics (formerly Invitae), Labcorp
Classification: Uncertain significance. Last evaluated: 2023-06-26. Review status: criteria provided, single submitter. Criteria: Invitae Variant Classification Sherloc (09022015). Collection method: clinical testing. Allele origin: germline.
Comment: In summary, the available evidence is currently insufficient to determine the role of this variant in disease. Therefore, it has been classified as a Variant of Uncertain Significance. An algorithm developed to predict the effect of missense changes on protein structure and function (PolyPhen-2) suggests that this variant is likely to be tolerated. This variant has not been reported in the literature in individuals affected with FXYD2-related conditions. This variant is present in population databases (rs760465825, gnomAD 0.002%). This sequence change replaces glutamic acid, which is acidic and polar, with lysine, which is basic and polar, at codon 63 of the FXYD2 protein (p.Glu63Lys).